The following is an entry in ClinVar:

NM_004982.4(KCNJ8):c.94C>T (p.Pro32Ser)

Genes: KCNJ8 (potassium inwardly rectifying channel subfamily J member 8; minus strand), KCNJ8-AS1 (KCNJ8 antisense RNA 1; plus strand). Cytogenetic location: 12p12.1.
Variant type: single nucleotide variant.
Coding change: c.94C>T on transcript NM_004982.4 (MANE Select); coding-DNA position 94, C replaced by T.
Protein change: p.Pro32Ser; replaces proline 32 with serine.
Molecular consequence: missense variant.
Genome position (GRCh38, 1-based): chr12:21,773,523, G>A on the plus strand (C>T on the coding strand, the complement: KCNJ8 is on the minus strand). VCF-style: chr12-21773523-G-A. GRCh37 (hg19) VCF-style: chr12-21926457-G-A.
Other names: short protein forms P32S.
Identifiers: ClinVar variation 1384914 (VCV001384914.6), dbSNP rs2137052056, ClinGen allele CA384132232.

ClinVar aggregate classification (germline): Uncertain significance (1 of 4 stars; one submission).

Conditions:
Brugada syndrome. Also called: Sudden unexplained nocturnal death syndrome; Sudden unexpected nocturnal death syndrome; Sudden Unexplained Death Syndrome; Sudden Unexplained Nocturnal Death Syndrome (SUNDS). Identifiers: Orphanet 130, MedGen C1142166, MONDO:0015263.

Allele frequency attached by ClinVar (database versions not stated): gnomAD exomes 0.00001.
gnomAD v4.1: 8 of 1,614,254 alleles (0.0005%); highest among the groups gnomAD compares: Non-Finnish European, 0.00068%; no homozygotes.

Submission:

Labcorp Genetics (formerly Invitae), Labcorp
Classification: Uncertain significance for Brugada syndrome. Last evaluated: 2021-10-06. Review status: criteria provided, single submitter. Criteria: Invitae Variant Classification Sherloc (09022015). Collection method: clinical testing. Allele origin: germline.
Comment: In summary, the available evidence is currently insufficient to determine the role of this variant in disease. Therefore, it has been classified as a Variant of Uncertain Significance. Advanced modeling of protein sequence and biophysical properties (such as structural, functional, and spatial information, amino acid conservation, physicochemical variation, residue mobility, and thermodynamic stability) performed at Invitae indicates that this missense variant is not expected to disrupt KCNJ8 protein function. This variant has not been reported in the literature in individuals affected with KCNJ8-related conditions. This variant is not present in population databases (ExAC no frequency). This sequence change replaces proline with serine at codon 32 of the KCNJ8 protein (p.Pro32Ser). The proline residue is moderately conserved and there is a moderate physicochemical difference between proline and serine.